The following is an entry in ClinVar:

NM_173728.4(ARHGEF15):c.770G>A (p.Gly257Asp)

Gene: ARHGEF15 (Rho guanine nucleotide exchange factor 15; plus strand). Cytogenetic location: 17p13.1.
Variant type: single nucleotide variant.
Coding change: c.770G>A on transcript NM_173728.4 (MANE Select); coding-DNA position 770, G replaced by A.
Protein change: p.Gly257Asp; replaces glycine 257 with aspartic acid.
Molecular consequence: missense variant.
Genome position (GRCh38, 1-based): chr17:8,313,090, G>A. VCF-style: chr17-8313090-G-A. GRCh37 (hg19) VCF-style: chr17-8216408-G-A.
Other names: c.770G>A, p.Gly257Asp (NM_025014.2); short protein forms G257D.
Identifiers: ClinVar variation 1716224 (VCV001716224.5), dbSNP rs1904766679, ClinGen allele CA398016106.

ClinVar aggregate classification (germline): Uncertain significance (1 of 4 stars; one submission).

Conditions:
Early-infantile DEE. Also called: Early infantile epileptic encephalopathy with suppression bursts; Early infantile epileptic encephalopathy; Ohtahara syndrome. Identifiers: Orphanet 1934, MedGen C0393706, MONDO:0800491.

Submission:

Labcorp Genetics (formerly Invitae), Labcorp
Classification: Uncertain significance for Early-infantile DEE. Last evaluated: 2022-10-16. Review status: criteria provided, single submitter. Criteria: Invitae Variant Classification Sherloc (09022015). Collection method: clinical testing. Allele origin: germline.
Comment: In summary, the available evidence is currently insufficient to determine the role of this variant in disease. Therefore, it has been classified as a Variant of Uncertain Significance. Algorithms developed to predict the effect of missense changes on protein structure and function (SIFT, PolyPhen-2, Align-GVGD) all suggest that this variant is likely to be tolerated. This variant has not been reported in the literature in individuals affected with ARHGEF15-related conditions. This variant is not present in population databases (gnomAD no frequency). This sequence change replaces glycine, which is neutral and non-polar, with aspartic acid, which is acidic and polar, at codon 257 of the ARHGEF15 protein (p.Gly257Asp).